The following is an entry in ClinVar:

NM_001292063.2(OTOG):c.7825C>A (p.Gln2609Lys)

Gene: OTOG (otogelin; plus strand). Cytogenetic location: 11p15.1.
Variant type: single nucleotide variant.
Coding change: c.7825C>A on transcript NM_001292063.2 (MANE Select); coding-DNA position 7825, C replaced by A.
Protein change: p.Gln2609Lys; replaces glutamine 2609 with lysine.
Molecular consequence: missense variant.
Genome position (GRCh38, 1-based): chr11:17,638,480, C>A. VCF-style: chr11-17638480-C-A. GRCh37 (hg19) VCF-style: chr11-17660027-C-A.
Other names: c.7861C>A, p.Gln2621Lys (NM_001277269.2); short protein forms Q2621K, Q2609K.
Identifiers: ClinVar variation 227799 (VCV000227799.20), dbSNP rs61995750, ClinGen allele CA5906180.

ClinVar aggregate classification (germline): Benign/Likely benign. Review status: criteria provided, multiple submitters, no conflicts (2 of 4 stars). 7 submissions from 7 submitters: Benign (5); Likely benign (2). Last evaluated 2026-09-01.

Allele frequency attached by ClinVar (database versions not stated): gnomAD exomes 0.00046 and 0.00098; ExAC 0.00099; gnomAD 0.00457 and 0.00485; TOPMed 0.00523; 1000 Genomes Project 0.00599; 1000 Genomes Project 30x 0.00734.
gnomAD v4.1: 1,370 of 1,550,110 alleles (0.088%); highest among the groups gnomAD compares: African/African-American, 1.5%; 8 homozygotes.

Submissions (7):

CeGaT Center for Human Genetics Tuebingen
Classification: Likely benign. Last evaluated: 2026-09-01. Review status: criteria provided, single submitter. Criteria: CeGaT Center For Human Genetics Tuebingen Variant Classification Criteria Version 2. Collection method: clinical testing. Allele origin: germline. Affected: yes. Observed: 1 variant allele.
Comment: OTOG: BP4, BS1

Labcorp Genetics (formerly Invitae), Labcorp
Classification: Benign. Last evaluated: 2025-12-24. Review status: criteria provided, single submitter. Criteria: Invitae Variant Classification Sherloc (09022015). Collection method: clinical testing. Allele origin: germline.

Blueprint Genetics
Classification: Likely benign. Last evaluated: 2024-10-17. Review status: criteria provided, single submitter. Criteria: ACMG Guidelines, 2015. Collection method: clinical testing. Allele origin: germline.

GeneDx
Classification: Benign. Last evaluated: 2018-08-28. Review status: criteria provided, single submitter. Criteria: GeneDx Variant Classification Process June 2021. Collection method: clinical testing. Allele origin: germline. Affected: yes.

Athena Diagnostics
Classification: Benign. Last evaluated: 2018-05-29. Review status: criteria provided, single submitter. Criteria: Athena Diagnostics Criteria. Collection method: clinical testing. Allele origin: germline.

Laboratory for Molecular Medicine, Mass General Brigham Personalized Medicine
Classification: Benign. Last evaluated: 2017-06-26. Review status: criteria provided, single submitter. Criteria: LMM Criteria. Collection method: clinical testing. Allele origin: germline. Observed: 4 variant alleles.
Comment: p.Gln2621Lys in exon 47 of OTOG: This variant is not expected to have clinical s ignificance because it has been identified in 1.5% (232/15266) of African chromo somes by the Genome Aggregation Database (gnomAD, rg; dbSNP rs61995750).

Breakthrough Genomics
Classification: Benign. Review status: criteria provided, single submitter. Criteria: ACMG Guidelines, 2015. Collection method: not provided. Allele origin: germline. Inheritance: Autosomal recessive inheritance. Affected: yes.